The following is an entry in ClinVar:

ClinVar aggregate classification (germline): Uncertain significance. Review status: criteria provided, multiple submitters, no conflicts (2 of 4 stars). 2 submissions from 2 submitters: Uncertain significance (2). Last evaluated 2025-12-21.

Conditions:
Hereditary cancer-predisposing syndrome. Also called: Neoplastic Syndromes, Hereditary; Tumor predisposition; Hereditary neoplastic syndrome; Hereditary Cancer Syndrome. Identifiers: Orphanet 140162, MedGen C0027672, MeSH D009386, MONDO:0015356.

Submissions (2):

Labcorp Genetics (formerly Invitae), Labcorp
Classification: Uncertain significance. Last evaluated: 2025-12-21. Review status: criteria provided, single submitter. Criteria: Invitae Variant Classification Sherloc (09022015). Collection method: clinical testing. Allele origin: germline.
Comment: This sequence change replaces valine, which is neutral and non-polar, with phenylalanine, which is neutral and non-polar, at codon 1431 of the POLE protein (p.Val1431Phe). This variant is not present in population databases (gnomAD no frequency). This variant has not been reported in the literature in individuals affected with POLE-related conditions. ClinVar contains an entry for this variant (Variation ID: 3225457). An algorithm developed to predict the effect of missense changes on protein structure and function (PolyPhen-2) suggests that this variant is likely to be disruptive. Algorithms developed to predict the effect of sequence changes on RNA splicing suggest that this variant may disrupt the consensus splice site. In summary, the available evidence is currently insufficient to determine the role of this variant in disease. Therefore, it has been classified as a Variant of Uncertain Significance.

Ambry Genetics
Classification: Uncertain significance for Hereditary cancer-predisposing syndrome. Last evaluated: 2024-03-13. Review status: criteria provided, single submitter. Criteria: Ambry Variant Classification Scheme 2023. Collection method: clinical testing. Allele origin: germline.
Comment: The p.V1431F variant (also known as c.4291G>T) is located in coding exon 34 of the POLE gene. The valine at codon 1431 is replaced by phenylalanine, an amino acid with highly similar properties. This change occurs in the first base pair of coding exon 34. This amino acid position is conserved. In addition, the in silico prediction for this alteration is inconclusive. Based on the available evidence, the clinical significance of this alteration remains unclear.

NM_006231.4(POLE):c.4291G>T (p.Val1431Phe)

Gene: POLE (DNA polymerase epsilon, catalytic subunit; minus strand). Cytogenetic location: 12q24.33.
Variant type: single nucleotide variant.
Coding change: c.4291G>T on transcript NM_006231.4 (MANE Select); coding-DNA position 4291, G replaced by T.
Protein change: p.Val1431Phe; replaces valine 1431 with phenylalanine.
Molecular consequence: missense variant.
Genome position (GRCh38, 1-based): chr12:132,643,560, C>A on the plus strand (G>T on the coding strand, the complement: POLE is on the minus strand). VCF-style: chr12-132643560-C-A. GRCh37 (hg19) VCF-style: chr12-133220146-C-A.
Other names: short protein forms V1431F.
Identifiers: ClinVar variation 3225457 (VCV003225457.2), dbSNP rs1593735045, ClinGen allele CA387381626.